The following is an entry in ClinVar:

ClinVar aggregate classification (germline): Uncertain significance (1 of 4 stars; one submission).

Allele frequency attached by ClinVar (database versions not stated): TOPMed 0.00032; gnomAD 0.00040; ExAC 0.00045; ESP Exome Variant Server 0.00054.
gnomAD v4.1: 764 of 1,614,094 alleles (0.047%); highest among the groups gnomAD compares: Non-Finnish European, 0.061%; 2 homozygotes.

Submission:

Labcorp Genetics (formerly Invitae), Labcorp
Classification: Uncertain significance. Last evaluated: 2025-12-08. Review status: criteria provided, single submitter. Criteria: Invitae Variant Classification Sherloc (09022015). Collection method: clinical testing. Allele origin: germline.
Comment: This sequence change replaces valine, which is neutral and non-polar, with alanine, which is neutral and non-polar, at codon 171 of the KDSR protein (p.Val171Ala). This variant is present in population databases (rs201014559, gnomAD 0.08%). This missense change has been observed in individual(s) with thrombocytopenia (PMID: 36519321). ClinVar contains an entry for this variant (Variation ID: 2069400). An algorithm developed to predict the effect of missense changes on protein structure and function (PolyPhen-2) suggests that this variant is likely to be disruptive. In summary, the available evidence is currently insufficient to determine the role of this variant in disease. Therefore, it has been classified as a Variant of Uncertain Significance.

Literature cited by the submitters: PubMed 36519321.

NM_002035.4(KDSR):c.512T>C (p.Val171Ala)

Gene: KDSR (3-ketodihydrosphingosine reductase; minus strand). Cytogenetic location: 18q21.33.
Variant type: single nucleotide variant.
Coding change: c.512T>C on transcript NM_002035.4 (MANE Select); coding-DNA position 512, T replaced by C.
Protein change: p.Val171Ala; replaces valine 171 with alanine.
Molecular consequence: missense variant.
Genome position (GRCh38, 1-based): chr18:63,350,985, A>G on the plus strand (T>C on the coding strand, the complement: KDSR is on the minus strand). VCF-style: chr18-63350985-A-G. GRCh37 (hg19) VCF-style: chr18-61018218-A-G.
Other names: short protein forms V171A.
Identifiers: ClinVar variation 2069400 (VCV002069400.2), dbSNP rs201014559, ClinGen allele CA8986078.